The following is an entry in ClinVar:

ClinVar aggregate classification (germline): Uncertain significance (1 of 4 stars; one submission).

Submission:

Labcorp Genetics (formerly Invitae), Labcorp
Classification: Uncertain significance. Last evaluated: 2025-12-03. Review status: criteria provided, single submitter. Criteria: Invitae Variant Classification Sherloc (09022015). Collection method: clinical testing. Allele origin: germline.
Comment: This sequence change affects a donor splice site in intron 6 of the RAD51 gene. It is expected to disrupt RNA splicing. Variants that disrupt the donor or acceptor splice site typically lead to a loss of protein function (PMID: 16199547), however the current clinical and genetic evidence is not sufficient to establish whether loss-of-function variants in RAD51 cause disease. This variant is not present in population databases (gnomAD no frequency). This variant has not been reported in the literature in individuals affected with RAD51-related conditions. Algorithms developed to predict the effect of sequence changes on RNA splicing suggest that this variant may disrupt the consensus splice site. In summary, the available evidence is currently insufficient to determine the role of this variant in disease. Therefore, it has been classified as a Variant of Uncertain Significance.

Literature cited by the submitters: PubMed 16199547.

NM_002875.5(RAD51):c.530+1G>A

Gene: RAD51 (RAD51 recombinase; plus strand). Cytogenetic location: 15q15.1.
Variant type: single nucleotide variant.
Coding change: c.530+1G>A on transcript NM_002875.5 (MANE Select); the canonical splice donor site of the intron after coding-DNA position 530, G replaced by A.
Molecular consequence: splice donor variant.
Genome position (GRCh38, 1-based): chr15:40,718,900, G>A. VCF-style: chr15-40718900-G-A. GRCh37 (hg19) VCF-style: chr15-41011098-G-A.
Other names: c.533+1G>A (NM_133487.4, NM_001164269.2); c.530+1G>A (NM_001164270.2).
Identifiers: ClinVar variation 4732410 (VCV004732410.1).